The following is an entry in ClinVar:

ClinVar aggregate classification (germline): Uncertain significance (1 of 4 stars; one submission).

Submission:

Ambry Genetics
Classification: Uncertain significance. Last evaluated: 2022-02-07. Review status: criteria provided, single submitter. Criteria: Ambry Variant Classification Scheme 2023. Collection method: clinical testing. Allele origin: germline.
Comment: The p.F1676V variant (also known as c.5026T>G), located in coding exon 44 of the KIF1B gene, results from a T to G substitution at nucleotide position 5026. The phenylalanine at codon 1676 is replaced by valine, an amino acid with highly similar properties. This amino acid position is conserved. In addition, the in silico prediction for this alteration is inconclusive. Since supporting evidence is limited at this time, the clinical significance of this alteration remains unclear.

NM_001365951.3(KIF1B):c.5164T>G (p.Phe1722Val)

Gene: KIF1B (kinesin family member 1B; plus strand). Cytogenetic location: 1p36.22.
Variant type: single nucleotide variant.
Coding change: c.5164T>G on transcript NM_001365951.3 (MANE Select); coding-DNA position 5164, T replaced by G.
Protein change: p.Phe1722Val; replaces phenylalanine 1722 with valine.
Molecular consequence: missense variant.
Genome position (GRCh38, 1-based): chr1:10,374,921, T>G. VCF-style: chr1-10374921-T-G. GRCh37 (hg19) VCF-style: chr1-10434979-T-G.
Other names: c.5164T>G, p.Phe1722Val (NM_001365952.1); c.5026T>G, p.Phe1676Val (NM_015074.3); short protein forms F1722V, F1676V.
Identifiers: ClinVar variation 1744863 (VCV001744863.2), dbSNP rs2521982504, ClinGen allele CA338330639.